The following is an entry in ClinVar:

NM_024105.4(ALG12):c.99G>A (p.Val33=)

Gene: ALG12 (ALG12 alpha-1,6-mannosyltransferase; minus strand). Cytogenetic location: 22q13.33.
Variant type: single nucleotide variant.
Coding change: c.99G>A on transcript NM_024105.4 (MANE Select); coding-DNA position 99, G replaced by A.
Protein change: p.Val33=; no amino-acid change (valine 33 retained).
Molecular consequence: synonymous variant.
Genome position (GRCh38, 1-based): chr22:49,913,667, C>T on the plus strand (G>A on the coding strand, the complement: ALG12 is on the minus strand). VCF-style: chr22-49913667-C-T. GRCh37 (hg19) VCF-style: chr22-50307315-C-T.
Other names: p.Val33=.
Identifiers: ClinVar variation 342060 (VCV000342060.18), dbSNP rs76707654, ClinGen allele CA10300736.

ClinVar aggregate classification (germline): Benign. Review status: criteria provided, multiple submitters, no conflicts (2 of 4 stars). 5 submissions from 5 submitters: Benign (5). Last evaluated 2026-02-03.

Conditions:
ALG12-congenital disorder of glycosylation (CDG1G). Also called: CDG Ig; Congenital disorder of glycosylation, type Ig; ALG12-CDG. Identifiers: Orphanet 79324, MedGen C2931001, MONDO:0011783, OMIM 607143.

Allele frequency attached by ClinVar (database versions not stated): gnomAD exomes 0.01397 and 0.01931; ExAC 0.02198; gnomAD 0.04186 and 0.04368; 1000 Genomes Project 0.04193; 1000 Genomes Project 30x 0.04279; TOPMed 0.04637; ESP Exome Variant Server 0.04982.
gnomAD v4.1: 27,034 of 1,614,138 alleles (1.7%); highest among the groups gnomAD compares: African/African-American, 12%; 738 homozygotes.

Submissions (5):

Labcorp Genetics (formerly Invitae), Labcorp
Classification: Benign for ALG12-congenital disorder of glycosylation. Last evaluated: 2026-02-03. Review status: criteria provided, single submitter. Criteria: Invitae Variant Classification Sherloc (09022015). Collection method: clinical testing. Allele origin: germline.

GeneDx
Classification: Benign. Last evaluated: 2020-01-06. Review status: criteria provided, single submitter. Criteria: GeneDx Variant Classification Process June 2021. Collection method: clinical testing. Allele origin: germline. Affected: yes.

Illumina Laboratory Services, Illumina
Classification: Benign for ALG12-congenital disorder of glycosylation. Last evaluated: 2018-01-12. Review status: criteria provided, single submitter. Criteria: ICSL Variant Classification Criteria 13 December 2019. Collection method: clinical testing. Allele origin: germline.
Comment: This variant was observed in the ICSL laboratory as part of a predisposition screen in an ostensibly healthy population. It had not been previously curated by ICSL or reported in the Human Gene Mutation Database (HGMD: prior to June 1st, 2018), and was therefore a candidate for classification through an automated scoring system. Utilizing variant allele frequency, disease prevalence and penetrance estimates, and inheritance mode, an automated score was calculated to assess if this variant is too frequent to cause the disease. Based on the score and internal cut-off values, a variant classified as benign is not then subjected to further curation. The score for this variant resulted in a classification of benign for this disease.

Mayo Clinic Laboratories, Mayo Clinic
Classification: Benign. Last evaluated: 2017-11-27. Review status: criteria provided, single submitter. Criteria: ACMG Guidelines, 2015. Collection method: clinical testing. Allele origin: germline. Observed: 3 variant alleles.

Breakthrough Genomics
Classification: Benign. Review status: criteria provided, single submitter. Criteria: ACMG Guidelines, 2015. Collection method: not provided. Allele origin: germline. Inheritance: Autosomal recessive inheritance. Affected: yes.